The following is an entry in ClinVar:

NM_019109.5(ALG1):c.*5T>C

Genes: ALG1 (ALG1 chitobiosyldiphosphodolichol beta-mannosyltransferase; plus strand), EEF2KMT (eukaryotic elongation factor 2 lysine methyltransferase; minus strand). Cytogenetic location: 16p13.3.
Variant type: single nucleotide variant.
Coding change: c.*5T>C on transcript NM_019109.5 (MANE Select); 5 bases downstream of the stop codon, T replaced by C.
Molecular consequence: 3 prime UTR variant.
Genome position (GRCh38, 1-based): chr16:5,084,886, T>C. VCF-style: chr16-5084886-T-C. GRCh37 (hg19) VCF-style: chr16-5134887-T-C.
Other names: c.*746A>G (NM_001289029.2, NM_201400.4, NM_201598.4); c.*5T>C (NM_001330504.2).
Identifiers: ClinVar variation 3035495 (VCV003035495.2), dbSNP rs767436067, ClinGen allele CA7890358.

ClinVar aggregate classification (germline): Likely benign (0 of 4 stars; one submission).

Conditions:
ALG1-related disorder. Also called: ALG1-related condition.

Allele frequency attached by ClinVar (database versions not stated): ExAC 0.00005.

Submission:

PreventionGenetics, part of Exact Sciences
Classification: Likely benign for ALG1-related condition. Last evaluated: 2019-04-11. Review status: no assertion criteria provided. Collection method: clinical testing. Allele origin: germline.
Comment: This variant is classified as likely benign based on ACMG/AMP sequence variant interpretation guidelines (Richards et al. 2015 PMID: 25741868, with internal and published modifications).